The following is an entry in ClinVar:

NM_001105206.3(LAMA4):c.3121G>T (p.Ala1041Ser)

Gene: LAMA4 (laminin subunit alpha 4; minus strand). Cytogenetic location: 6q21.
Variant type: single nucleotide variant.
Coding change: c.3121G>T on transcript NM_001105206.3 (MANE Select); coding-DNA position 3121, G replaced by T.
Protein change: p.Ala1041Ser; replaces alanine 1041 with serine.
Molecular consequence: missense variant.
Genome position (GRCh38, 1-based): chr6:112,139,281, C>A on the plus strand (G>T on the coding strand, the complement: LAMA4 is on the minus strand). VCF-style: chr6-112139281-C-A. GRCh37 (hg19) VCF-style: chr6-112460483-C-A.
Other names: c.3100G>T, p.Ala1034Ser (NM_001105207.3, NM_002290.5); short protein forms A1041S, A1034S.
Identifiers: ClinVar variation 1727644 (VCV001727644.5), dbSNP rs782048946, ClinGen allele CA3965298.

ClinVar aggregate classification (germline): Uncertain significance. Review status: criteria provided, multiple submitters, no conflicts (2 of 4 stars). 2 submissions from 2 submitters: Uncertain significance (2). Last evaluated 2025-01-17.

Conditions:
Cardiovascular phenotype. Identifiers: MedGen CN230736.

Allele frequency attached by ClinVar (database versions not stated): TOPMed below 0.00001; ExAC 0.00001.
gnomAD v4.1: 5 of 1,614,114 alleles (0.00031%); highest among the groups gnomAD compares: Non-Finnish European, 0.00042%; no homozygotes.

Submissions (2):

Women's Health and Genetics/Laboratory Corporation of America, LabCorp
Classification: Uncertain significance. Last evaluated: 2025-01-17. Review status: criteria provided, single submitter. Criteria: LabCorp Variant Classification Summary - May 2015. Collection method: clinical testing. Allele origin: germline.

Ambry Genetics
Classification: Uncertain significance for Cardiovascular phenotype. Last evaluated: 2024-04-01. Review status: criteria provided, single submitter. Criteria: Ambry Variant Classification Scheme 2023. Collection method: clinical testing. Allele origin: germline.
Comment: The p.A1034S variant (also known as c.3100G>T), located in coding exon 23 of the LAMA4 gene, results from a G to T substitution at nucleotide position 3100. The alanine at codon 1034 is replaced by serine, an amino acid with similar properties. This amino acid position is highly conserved in available vertebrate species. In addition, the in silico prediction for this alteration is inconclusive. Since supporting evidence is limited at this time, the clinical significance of this alteration remains unclear.